The following is an entry in ClinVar:

NM_007294.4(BRCA1):c.1177_1219del (p.Leu393fs)

Gene: BRCA1 (BRCA1 DNA repair associated; minus strand). Cytogenetic location: 17q21.31.
Variant type: Deletion.
Coding change: c.1177_1219del on transcript NM_007294.4 (MANE Select); coding-DNA positions 1177 to 1219, 43 bases deleted.
Protein change: p.Leu393fs; shifts the reading frame from leucine 393.
Molecular consequence: frameshift variant. On other transcripts: intron variant (137).
Genome position (GRCh38, 1-based): chr17:43,094,312-43,094,354, 43 bases deleted; deleting any 43 consecutive bases within chr17:43,094,312-43,094,356 gives the same sequence; the c. name uses the placement nearest the transcript's 3' end. GRCh37 (hg19): chr17:41,246,331-41,246,373.
Other names: 1294del43; c.1099_1141del, p.Leu367fs (NM_001407657.1, NM_001407658.1, NM_001407663.1 and 4 more transcripts); c.1096_1138del, p.Leu366fs (NM_001407659.1, NM_001407660.1, NM_001407661.1 and 1 more transcripts); c.1054_1096del, p.Leu352fs (NM_001407664.1, NM_001407665.1, NM_001407666.1 and 19 more transcripts); c.1051_1093del, p.Leu351fs (NM_001407670.1, NM_001407671.1, NM_001407672.1 and 11 more transcripts); c.1177_1219del, p.Leu393fs (NM_001407684.1, NM_001407854.1, NM_001407858.1 and 30 more transcripts); c.1036_1078del, p.Leu346fs (NM_001407692.1, NM_001407694.1, NM_001407695.1 and 29 more transcripts); c.1033_1075del, p.Leu345fs (NM_001407740.1, NM_001407741.1, NM_001407742.1 and 20 more transcripts); and 41 more; short protein forms L393fs, L346fs, L322fs, L325fs, L351fs, L366fs, L390fs, L392fs.
Identifiers: ClinVar variation 37396 (VCV000037396.3), dbSNP rs397507182, ClinGen allele CA000780.

ClinVar aggregate classification (germline): Pathogenic. Review status: reviewed by expert panel (3 of 4 stars). 2 submissions from 2 submitters: Pathogenic (1). 1 of the submissions does not count toward it. Last evaluated 2017-12-15.

Conditions:
Breast-ovarian cancer, familial, susceptibility to, 1 (BROVCA1). Also called: OVARIAN CANCER, SUSCEPTIBILITY TO; BRCA1 Hereditary Breast and Ovarian Cancer. Identifiers: Orphanet 145, MedGen C2676676, MONDO:0011450, OMIM 604370. Disease mechanism: loss of function.

Submissions (2):

Evidence-based Network for the Interpretation of Germline Mutant Alleles (ENIGMA)
Classification: Pathogenic for Breast-ovarian cancer, familial, susceptibility to, 1. Last evaluated: 2017-12-15. Review status: reviewed by expert panel. Criteria: ENIGMA BRCA1/2 Classification Criteria (2017-06-29). Collection method: curation. Allele origin: germline. Study: ENIGMA.
Comment: Variant allele predicted to encode a truncated non-functional protein.

Sharing Clinical Reports Project (SCRP)
Classification: Pathogenic for Breast-ovarian cancer, familial 1. Last evaluated: 2011-05-02. Review status: no assertion criteria provided. Collection method: clinical testing. Allele origin: germline. Not counted in ClinVar's aggregate classification.